The following is an entry in ClinVar:

ClinVar aggregate classification (germline): Uncertain significance. Review status: criteria provided, multiple submitters, no conflicts (2 of 4 stars). 2 submissions from 2 submitters: Uncertain significance (2). Last evaluated 2024-11-05.

Allele frequency attached by ClinVar (database versions not stated): gnomAD exomes below 0.00001.
gnomAD v4.1: 1 of 1,613,876 alleles (0.000062%); highest among the groups gnomAD compares: Non-Finnish European, 0.000085%; no homozygotes.

Submissions (2):

Labcorp Genetics (formerly Invitae), Labcorp
Classification: Uncertain significance. Last evaluated: 2024-11-05. Review status: criteria provided, single submitter. Criteria: Invitae Variant Classification Sherloc (09022015). Collection method: clinical testing. Allele origin: germline.
Comment: This sequence change replaces tryptophan, which is neutral and slightly polar, with arginine, which is basic and polar, at codon 786 of the EPHB4 protein (p.Trp786Arg). This variant is not present in population databases (gnomAD no frequency). This variant has not been reported in the literature in individuals affected with EPHB4-related conditions. ClinVar contains an entry for this variant (Variation ID: 993621). Invitae Evidence Modeling of protein sequence and biophysical properties (such as structural, functional, and spatial information, amino acid conservation, physicochemical variation, residue mobility, and thermodynamic stability) indicates that this missense variant is expected to disrupt EPHB4 protein function with a positive predictive value of 95%. In summary, the available evidence is currently insufficient to determine the role of this variant in disease. Therefore, it has been classified as a Variant of Uncertain Significance.

ARUP Laboratories, Molecular Genetics and Genomics, ARUP Laboratories
Classification: Uncertain significance. Last evaluated: 2020-01-17. Review status: criteria provided, single submitter. Criteria: ARUP Molecular Germline Variant Investigation Process. Collection method: clinical testing. Allele origin: germline.
Comment: The EPHB4 c.2356T>C; p.Trp786Arg variant, to our knowledge, is not reported in the medical literature or gene specific databases. This variant is also absent from general population databases (Exome Variant Server, Genome Aggregation Database), indicating it is not a common polymorphism. The tryptophan at codon 786 is highly conserved, is located in the catalytic protein kinase domain, and computational analyses (SIFT, PolyPhen-2) predict that this variant is deleterious. However, given the lack of clinical and functional data, the significance of the p.Trp786Arg variant is uncertain at this time.

NM_004444.5(EPHB4):c.2356T>C (p.Trp786Arg)

Genes: EPHB4 (EPH receptor B4; minus strand), LOC126860124 (CDK7 strongly-dependent group 2 enhancer GRCh37_chr7:100403701-100404900; plus strand). Cytogenetic location: 7q22.1.
Variant type: single nucleotide variant.
Coding change: c.2356T>C on transcript NM_004444.5 (MANE Select); coding-DNA position 2356, T replaced by C.
Protein change: p.Trp786Arg; replaces tryptophan 786 with arginine.
Molecular consequence: missense variant.
Genome position (GRCh38, 1-based): chr7:100,806,548, A>G on the plus strand (T>C on the coding strand, the complement: EPHB4 is on the minus strand). VCF-style: chr7-100806548-A-G. GRCh37 (hg19) VCF-style: chr7-100404170-A-G.
Other names: short protein forms W786R.
Identifiers: ClinVar variation 993621 (VCV000993621.10), dbSNP rs906578426, ClinGen allele CA368567902.